The following is an entry in ClinVar:

ClinVar aggregate classification (germline): Uncertain significance (1 of 4 stars; one submission).

gnomAD v4.1: 2 of 1,563,824 alleles (0.00013%); highest among the groups gnomAD compares: African/African-American, 0.0014%; no homozygotes.

Submission:

GeneDx
Classification: Uncertain significance. Last evaluated: 2025-05-12. Review status: criteria provided, single submitter. Criteria: GeneDx Variant Classification Process June 2021. Collection method: clinical testing. Allele origin: germline. Affected: yes.
Comment: Observed in an individual with a neurodevelopmental disorder in published literature, but additional clinical information was not included (PMID: 37500730); Not observed at significant frequency in large population cohorts (gnomAD); In silico analysis supports that this missense variant has a deleterious effect on protein structure/function; This variant is associated with the following publications: (PMID: 37500730)

NM_001394372.1(BICRA):c.899C>T (p.Thr300Met)

Gene: BICRA (BRD4 interacting chromatin remodeling complex associated protein; plus strand). Cytogenetic location: 19q13.33.
Variant type: single nucleotide variant.
Coding change: c.899C>T on transcript NM_001394372.1 (MANE Select); coding-DNA position 899, C replaced by T.
Protein change: p.Thr300Met; replaces threonine 300 with methionine.
Molecular consequence: missense variant.
Genome position (GRCh38, 1-based): chr19:47,680,069, C>T. VCF-style: chr19-47680069-C-T. GRCh37 (hg19) VCF-style: chr19-48183326-C-T.
Other names: c.899C>T, p.Thr300Met (NM_015711.3); short protein forms T300M.
Identifiers: ClinVar variation 3373255 (VCV003373255.2).